The following is an entry in ClinVar:

ClinVar aggregate classification (germline): Conflicting classifications of pathogenicity. Review status: criteria provided, conflicting classifications (1 of 4 stars). 2 submissions from 2 submitters: Uncertain significance (1); Benign (1). Last evaluated 2024-07-19.

Allele frequency attached by ClinVar (database versions not stated): gnomAD exomes 0.00002 and 0.00003; ExAC 0.00003; TOPMed 0.00005; gnomAD 0.00006 and 0.00007; ESP Exome Variant Server 0.00008.

Submissions (2):

Labcorp Genetics (formerly Invitae), Labcorp
Classification: Benign. Last evaluated: 2024-07-19. Review status: criteria provided, single submitter. Criteria: Invitae Variant Classification Sherloc (09022015). Collection method: clinical testing. Allele origin: germline.

GeneDx
Classification: Uncertain significance. Last evaluated: 2023-01-19. Review status: criteria provided, single submitter. Criteria: GeneDx Variant Classification Process June 2021. Collection method: clinical testing. Allele origin: germline. Affected: yes.
Comment: In silico analysis supports that this missense variant does not alter protein structure/function; Has not been previously published as pathogenic or benign to our knowledge; Not located in the triple helical region, where the majority of pathogenic missense variants occur (HGMD)

NM_001844.5(COL2A1):c.4255G>A (p.Val1419Met)

Gene: COL2A1 (collagen type II alpha 1 chain; minus strand). Cytogenetic location: 12q13.11.
Variant type: single nucleotide variant.
Coding change: c.4255G>A on transcript NM_001844.5 (MANE Select); coding-DNA position 4255, G replaced by A.
Protein change: p.Val1419Met; replaces valine 1419 with methionine.
Molecular consequence: missense variant.
Genome position (GRCh38, 1-based): chr12:47,974,151, C>T on the plus strand (G>A on the coding strand, the complement: COL2A1 is on the minus strand). VCF-style: chr12-47974151-C-T. GRCh37 (hg19) VCF-style: chr12-48367934-C-T.
Other names: c.4048G>A, p.Val1350Met (NM_033150.3); c.4255G>A (NM_001844.4); short protein forms V1350M, V1419M.
Identifiers: ClinVar variation 1019146 (VCV001019146.11), dbSNP rs371226850, ClinGen allele CA6534512.